The following is an entry in ClinVar:

ClinVar aggregate classification (germline): Likely pathogenic (1 of 4 stars; one submission).

Conditions:
Arthrogryposis, distal, type 1A. Also called: ARTHROGRYPOSIS MULTIPLEX CONGENITA, DISTAL, TYPE I. Identifiers: Orphanet 1146, MedGen C6022280, MONDO:0007157, OMIM 108120.

Submission:

Labcorp Genetics (formerly Invitae), Labcorp
Classification: Likely pathogenic for Arthrogryposis, distal, type 1A. Last evaluated: 2024-05-04. Review status: criteria provided, single submitter. Criteria: Invitae Variant Classification Sherloc (09022015). Collection method: clinical testing. Allele origin: germline.
Comment: This sequence change replaces arginine, which is basic and polar, with leucine, which is neutral and non-polar, at codon 160 of the TPM2 protein (p.Arg160Leu). This variant is not present in population databases (gnomAD no frequency). This missense change has been observed in individual(s) with autosomal dominant TPM2-related conditions (Invitae). In at least one individual the variant was observed to be de novo. ClinVar contains an entry for this variant (Variation ID: 2017054). Advanced modeling of protein sequence and biophysical properties (such as structural, functional, and spatial information, amino acid conservation, physicochemical variation, residue mobility, and thermodynamic stability) performed at Invitae indicates that this missense variant is not expected to disrupt TPM2 protein function with a negative predictive value of 80%. In summary, the currently available evidence indicates that the variant is pathogenic, but additional data are needed to prove that conclusively. Therefore, this variant has been classified as Likely Pathogenic.

NM_003289.4(TPM2):c.479G>T (p.Arg160Leu)

Gene: TPM2 (tropomyosin 2; minus strand). Cytogenetic location: 9p13.3.
Variant type: single nucleotide variant.
Coding change: c.479G>T on transcript NM_003289.4 (MANE Select); coding-DNA position 479, G replaced by T.
Protein change: p.Arg160Leu; replaces arginine 160 with leucine.
Molecular consequence: missense variant.
Genome position (GRCh38, 1-based): chr9:35,685,447, C>A on the plus strand (G>T on the coding strand, the complement: TPM2 is on the minus strand). VCF-style: chr9-35685447-C-A. GRCh37 (hg19) VCF-style: chr9-35685444-C-A.
Other names: c.479G>T, p.Arg160Leu (NM_001301226.2, NM_001301227.2, NM_213674.1); short protein forms R160L.
Identifiers: ClinVar variation 2017054 (VCV002017054.4), dbSNP rs745549628, ClinGen allele CA373367023.